The following is an entry in ClinVar:

ClinVar aggregate classification (germline): Uncertain significance (1 of 4 stars; one submission).

gnomAD v4.1: 2 of 1,592,662 alleles (0.00013%); highest among the groups gnomAD compares: Admixed American, 0.0033%; no homozygotes.

Submission:

Labcorp Genetics (formerly Invitae), Labcorp
Classification: Uncertain significance. Last evaluated: 2023-06-30. Review status: criteria provided, single submitter. Criteria: Invitae Variant Classification Sherloc (09022015). Collection method: clinical testing. Allele origin: germline.
Comment: This sequence change replaces arginine, which is basic and polar, with serine, which is neutral and polar, at codon 527 of the ENPP1 protein (p.Arg527Ser). This variant is not present in population databases (gnomAD no frequency). This variant has not been reported in the literature in individuals affected with ENPP1-related conditions. Advanced modeling of protein sequence and biophysical properties (such as structural, functional, and spatial information, amino acid conservation, physicochemical variation, residue mobility, and thermodynamic stability) performed at Invitae indicates that this missense variant is not expected to disrupt ENPP1 protein function. In summary, the available evidence is currently insufficient to determine the role of this variant in disease. Therefore, it has been classified as a Variant of Uncertain Significance.

NM_006208.3(ENPP1):c.1581G>C (p.Arg527Ser)

Gene: ENPP1 (ectonucleotide pyrophosphatase/phosphodiesterase 1; plus strand). Cytogenetic location: 6q23.2.
Variant type: single nucleotide variant.
Coding change: c.1581G>C on transcript NM_006208.3 (MANE Select); coding-DNA position 1581, G replaced by C.
Protein change: p.Arg527Ser; replaces arginine 527 with serine.
Molecular consequence: missense variant.
Genome position (GRCh38, 1-based): chr6:131,874,283, G>C. VCF-style: chr6-131874283-G-C. GRCh37 (hg19) VCF-style: chr6-132195423-G-C.
Other names: short protein forms R527S.
Identifiers: ClinVar variation 2870360 (VCV002870360.3), dbSNP rs1782199915, ClinGen allele CA365677879.